The following is an entry in ClinVar:

NM_002474.3(MYH11):c.3165G>A (p.Lys1055=)

Gene: MYH11 (myosin heavy chain 11; minus strand). Cytogenetic location: 16p13.11.
Variant type: single nucleotide variant.
Coding change: c.3165G>A on transcript NM_002474.3 (MANE Select); coding-DNA position 3165, G replaced by A.
Protein change: p.Lys1055=; no amino-acid change (lysine 1055 retained).
Molecular consequence: synonymous variant.
Genome position (GRCh38, 1-based): chr16:15,737,577, C>T on the plus strand (G>A on the coding strand, the complement: MYH11 is on the minus strand). VCF-style: chr16-15737577-C-T. GRCh37 (hg19) VCF-style: chr16-15831434-C-T.
Other names: c.3186G>A (NM_001040113.1); c.3186G>A, p.Lys1062= (NM_001040113.2, NM_001040114.2); c.3165G>A, p.Lys1055= (NM_022844.3).
Identifiers: ClinVar variation 1728356 (VCV001728356.9), dbSNP rs1328609476, ClinGen allele CA493781206.
Genomic context (GRCh38, chr16:15,737,577, plus strand): 5'-CTGGAGGTCAGCGATCTGCTCGTGGAAGTCGCTGGCATCACCCTCCAGCTTCCGTTTCAG[C>T]TTCTCCAGCTCCTGTCGGCTCTTCTCTTCCTTCTTTAGCCGCACTGCAAAAACCAAGGTG-3'
Protein context (NP_002465.1, residues 1045-1065): KEEKSRQELE[Lys1055=]LKRKLEGDAS

ClinVar aggregate classification (germline): Likely benign. Review status: criteria provided, multiple submitters, no conflicts (2 of 4 stars). 4 submissions from 4 submitters: Likely benign (4). Last evaluated 2026-05-23.

Conditions:
MYH11-related disorder. Also called: MYH11-related condition.
Aortic aneurysm, familial thoracic 4 (AAT4). Also called: AORTIC ANEURYSM/AORTIC DISSECTION AND PATENT DUCTUS ARTERIOSUS. Identifiers: MedGen C1851504, MONDO:0007568, OMIM 132900.
Familial thoracic aortic aneurysm and aortic dissection (TAAD). Also called: Thoracic aortic aneurysms and dissections. Identifiers: Orphanet 91387, MedGen C4707243, MONDO:0019625.

Allele frequency attached by ClinVar (database versions not stated): gnomAD 0.00001; gnomAD exomes 0.00003.
gnomAD v4.1: 49 of 1,613,730 alleles (0.003%); highest among the groups gnomAD compares: Non-Finnish European, 0.004%; no homozygotes.

Submissions (4):

PreventionGenetics, part of Exact Sciences
Classification: Likely benign for MYH11-related condition. Last evaluated: 2026-05-23. Review status: criteria provided, single submitter. Criteria: ACMG Guidelines, 2015. Collection method: clinical testing. Allele origin: germline.
Comment: This variant is classified as likely benign based on ACMG/AMP sequence variant interpretation guidelines (Richards et al. 2015 PMID: 25741868, with internal and published modifications).

Labcorp Genetics (formerly Invitae), Labcorp
Classification: Likely benign for Aortic aneurysm, familial thoracic 4. Last evaluated: 2023-12-02. Review status: criteria provided, single submitter. Criteria: Invitae Variant Classification Sherloc (09022015). Collection method: clinical testing. Allele origin: germline.

All of Us Research Program, National Institutes of Health
Classification: Likely benign for Familial thoracic aortic aneurysm and aortic dissection. Last evaluated: 2023-10-23. Review status: criteria provided, single submitter. Criteria: ACMG Guidelines, 2015. Collection method: clinical testing. Allele origin: germline. Inheritance: Autosomal dominant inheritance. Observed: 2 variant alleles, 2 heterozygotes.
Comment: This study involves interpretation of variants in research participants for the purpose of population health screening. Participant phenotype was not available at the time of variant classification. Additional details can be found in publication PMID: 35346344, PMCID: PMC8962531

Ambry Genetics
Classification: Likely benign for Familial thoracic aortic aneurysm and aortic dissection. Last evaluated: 2021-09-15. Review status: criteria provided, single submitter. Criteria: Ambry Variant Classification Scheme 2023. Collection method: clinical testing. Allele origin: germline.